The following is an entry in ClinVar:

NM_133433.4(NIPBL):c.760C>T (p.Leu254=)

Gene: NIPBL (NIPBL cohesin loading factor; plus strand). Cytogenetic location: 5p13.2.
Variant type: single nucleotide variant.
Coding change: c.760C>T on transcript NM_133433.4 (MANE Select); coding-DNA position 760, C replaced by T.
Protein change: p.Leu254=; no amino-acid change (leucine 254 retained).
Molecular consequence: synonymous variant.
Genome position (GRCh38, 1-based): chr5:36,971,025, C>T. VCF-style: chr5-36971025-C-T. GRCh37 (hg19) VCF-style: chr5-36971127-C-T.
Other names: c.760C>T, p.Leu254= (NM_015384.5).
Identifiers: ClinVar variation 2744665 (VCV002744665.3), dbSNP rs2479089976, ClinGen allele CA443902957.

ClinVar aggregate classification (germline): Uncertain significance (1 of 4 stars; one submission).

Conditions:
Cornelia de Lange syndrome 1 (CDLS1). Also called: Brachmann de Lange syndrome; TYPUS DEGENERATIVUS AMSTELODAMENSIS; NIPBL-Related Cornelia de Lange Syndrome. Identifiers: Orphanet 199, MedGen C4551851, MONDO:0007387, OMIM 122470.

Submission:

Labcorp Genetics (formerly Invitae), Labcorp
Classification: Uncertain significance for Cornelia de Lange syndrome 1. Last evaluated: 2023-07-18. Review status: criteria provided, single submitter. Criteria: Invitae Variant Classification Sherloc (09022015). Collection method: clinical testing. Allele origin: germline.
Comment: This sequence change affects codon 254 of the NIPBL mRNA. It is a 'silent' change, meaning that it does not change the encoded amino acid sequence of the NIPBL protein. In summary, the available evidence is currently insufficient to determine the role of this variant in disease. Therefore, it has been classified as a Variant of Uncertain Significance. Algorithms developed to predict the effect of sequence changes on RNA splicing suggest that this variant may create or strengthen a splice site. This variant has not been reported in the literature in individuals affected with NIPBL-related conditions. This variant is not present in population databases (gnomAD no frequency).